The following is an entry in ClinVar:

NM_004181.5(UCHL1):c.252G>C (p.Gln84His)

Gene: UCHL1 (ubiquitin C-terminal hydrolase L1; plus strand). Cytogenetic location: 4p13.
Variant type: single nucleotide variant.
Coding change: c.252G>C on transcript NM_004181.5 (MANE Select); coding-DNA position 252, G replaced by C.
Protein change: p.Gln84His; replaces glutamine 84 with histidine.
Molecular consequence: missense variant.
Genome position (GRCh38, 1-based): chr4:41,260,724, G>C. VCF-style: chr4-41260724-G-C. GRCh37 (hg19) VCF-style: chr4-41262741-G-C.
Other names: short protein forms Q84H.
Identifiers: ClinVar variation 3902681 (VCV003902681.1).

ClinVar aggregate classification (germline): Uncertain significance (1 of 4 stars; one submission).

gnomAD v4.1: 6 of 1,614,106 alleles (0.00037%); highest among the groups gnomAD compares: Non-Finnish European, 0.00051%; no homozygotes.

Submission:

Women's Health and Genetics/Laboratory Corporation of America, LabCorp
Classification: Uncertain significance. Last evaluated: 2025-05-27. Review status: criteria provided, single submitter. Criteria: LabCorp Variant Classification Summary - May 2015. Collection method: clinical testing. Allele origin: germline.
Comment: Variant summary: UCHL1 c.252G>C (p.Gln84His) results in a non-conservative amino acid change in the encoded protein sequence. Algorithms developed to predict the effect of missense changes on protein structure and function all suggest that this variant is likely to be disruptive. The variant was absent in 251492 control chromosomes (gnomAD). The available data on variant occurrences in the general population are insufficient to allow any conclusion about variant significance. To our knowledge, no occurrence of c.252G>C in individuals affected with Spastic Paraplegia 79 and no experimental evidence demonstrating its impact on protein function have been reported. No submitters have cited clinical-significance assessments for this variant to ClinVar. Based on the evidence outlined above, the variant was classified as uncertain significance.